The following is an entry in ClinVar:

ClinVar aggregate classification (germline): Uncertain significance (1 of 4 stars; one submission).

Conditions:
Catecholaminergic polymorphic ventricular tachycardia 1. Also called: VENTRICULAR TACHYCARDIA, CATECHOLAMINERGIC POLYMORPHIC, 1, WITH OR WITHOUT ATRIAL DYSFUNCTION AND/OR DILATED CARDIOMYOPATHY; RYR2-Related Catecholaminergic Polymorphic Ventricular Tachycardia; VENTRICULAR TACHYCARDIA, STRESS-INDUCED POLYMORPHIC 1. Identifiers: Orphanet 3286, MedGen C1631597, MONDO:0011484, OMIM 604772.

Submission:

Labcorp Genetics (formerly Invitae), Labcorp
Classification: Uncertain significance for Catecholaminergic polymorphic ventricular tachycardia 1. Last evaluated: 2022-07-05. Review status: criteria provided, single submitter. Criteria: Invitae Variant Classification Sherloc (09022015). Collection method: clinical testing. Allele origin: germline.
Comment: In summary, the available evidence is currently insufficient to determine the role of this variant in disease. Therefore, it has been classified as a Variant of Uncertain Significance. Experimental studies and prediction algorithms are not available or were not evaluated, and the functional significance of this variant is currently unknown. This variant has not been reported in the literature in individuals affected with RYR2-related conditions. This variant results in a copy number gain of the genomic region encompassing exon(s) 35-105 of the RYR2 gene. This region includes the termination codon of the gene. This copy number gain extends beyond the assayed region for this gene and therefore may encompass additional genes. As the precise location of this event is unknown, it may be in tandem or it may be located elsewhere in the genome.

NC_000001.10:g.(?_237765305)_(237995947_?)dup

Gene: RYR2 (ryanodine receptor 2; plus strand). Cytogenetic location: 1q43.
Variant type: Duplication.
Identifiers: ClinVar variation 2423529 (VCV002423529.4).